The following is an entry in ClinVar:

ClinVar aggregate classification (germline): Benign/Likely benign. Review status: criteria provided, multiple submitters, no conflicts (2 of 4 stars). 3 submissions from 3 submitters: Benign (1); Likely benign (2). Last evaluated 2026-02-01.

Conditions:
Acrocallosal syndrome (ACLS). Also called: HALLUX DUPLICATION, POSTAXIAL POLYDACTYLY, AND ABSENCE OF CORPUS CALLOSUM; Schinzel syndrome 1; Absence of corpus callosum with unusual facial appearance, mental deficiency, duplication of the halluces and polydactyly. Identifiers: Orphanet 36, MedGen C0796147, MONDO:0008708, OMIM 200990.

Allele frequency attached by ClinVar (database versions not stated): gnomAD 0.00014 and 0.00021; gnomAD exomes 0.00025 and 0.00058; TOPMed 0.00037; ExAC 0.00054; 1000 Genomes Project 30x 0.00125; 1000 Genomes Project 0.00160.
gnomAD v4.1: 396 of 1,614,202 alleles (0.025%); highest among the groups gnomAD compares: East Asian, 0.84%; 1 homozygote.

Submissions (3):

Labcorp Genetics (formerly Invitae), Labcorp
Classification: Benign for Acrocallosal syndrome. Last evaluated: 2026-02-01. Review status: criteria provided, single submitter. Criteria: Invitae Variant Classification Sherloc (09022015). Collection method: clinical testing. Allele origin: germline.

Blueprint Genetics
Classification: Likely benign. Last evaluated: 2023-11-15. Review status: criteria provided, single submitter. Criteria: ACMG Guidelines, 2015. Collection method: clinical testing. Allele origin: germline.

Illumina Laboratory Services, Illumina
Classification: Likely benign for Acrocallosal syndrome. Last evaluated: 2018-01-12. Review status: criteria provided, single submitter. Criteria: ICSL Variant Classification Criteria 13 December 2019. Collection method: clinical testing. Allele origin: germline.
Comment: This variant was observed in the ICSL laboratory as part of a predisposition screen in an ostensibly healthy population. It had not been previously curated by ICSL or reported in the Human Gene Mutation Database (HGMD: prior to June 1st, 2018), and was therefore a candidate for classification through an automated scoring system. Utilizing variant allele frequency, disease prevalence and penetrance estimates, and inheritance mode, an automated score was calculated to assess if this variant is too frequent to cause the disease. Based on the score and internal cut-off values, a variant classified as likely benign is not then subjected to further curation. The score for this variant resulted in a classification of likely benign for this disease.

NM_198525.3(KIF7):c.3252C>T (p.Leu1084=)

Gene: KIF7 (kinesin family member 7; minus strand). Cytogenetic location: 15q26.1.
Variant type: single nucleotide variant.
Coding change: c.3252C>T on transcript NM_198525.3 (MANE Select); coding-DNA position 3252, C replaced by T.
Protein change: p.Leu1084=; no amino-acid change (leucine 1084 retained).
Molecular consequence: synonymous variant.
Genome position (GRCh38, 1-based): chr15:89,630,353, G>A on the plus strand (C>T on the coding strand, the complement: KIF7 is on the minus strand). VCF-style: chr15-89630353-G-A. GRCh37 (hg19) VCF-style: chr15-90173584-G-A.
Identifiers: ClinVar variation 317351 (VCV000317351.15), dbSNP rs77896636, ClinGen allele CA7727786.
Genomic context (GRCh38, chr15:89,630,353, plus strand): 5'-AAAATACTTGCAGAGGAGGGCTCTGGTCTCTGAGGATGAGAGGTAGCTGAGCTTGGCCAT[G>A]AGGTTCATCTCGCACTGGGACAGCAACGAGGCTGAGGCCCGAAGCACCCGCTGGCGGCAT-3'
Protein context (NP_940927.2, residues 1074-1094): ASLLSQCEMN[Leu1084=]MAKLSYLSSS